The following is an entry in ClinVar:

NM_000051.4(ATM):c.3232C>G (p.Leu1078Val)

Gene: ATM (ATM serine/threonine kinase; plus strand). Cytogenetic location: 11q22.3.
Variant type: single nucleotide variant.
Coding change: c.3232C>G on transcript NM_000051.4 (MANE Select); coding-DNA position 3232, C replaced by G.
Protein change: p.Leu1078Val; replaces leucine 1078 with valine.
Molecular consequence: missense variant.
Genome position (GRCh38, 1-based): chr11:108,272,800, C>G. VCF-style: chr11-108272800-C-G. GRCh37 (hg19) VCF-style: chr11-108143527-C-G.
Other names: c.3232C>G, p.Leu1078Val (NM_001351834.2); short protein forms L1078V.
Identifiers: ClinVar variation 2865756 (VCV002865756.3), dbSNP rs2135571892, ClinGen allele CA382515934.

ClinVar aggregate classification (germline): Uncertain significance (1 of 4 stars; one submission).

Conditions:
Ataxia-telangiectasia syndrome (AT). Also called: AT, COMPLEMENTATION GROUP C; Ataxia telangiectasia (A-T); ATAXIA-TELANGIECTASIA, COMPLEMENTATION GROUP A; ATAXIA-TELANGIECTASIA, FRESNO VARIANT; Ataxia-telangiectasia, complementation group D; Ataxia-telangiectasia, complementation group E. Identifiers: Orphanet 100, MedGen C0004135, MONDO:0008840, OMIM 208900.

Submission:

Labcorp Genetics (formerly Invitae), Labcorp
Classification: Uncertain significance for Ataxia-telangiectasia syndrome. Last evaluated: 2024-07-10. Review status: criteria provided, single submitter. Criteria: Invitae Variant Classification Sherloc (09022015). Collection method: clinical testing. Allele origin: germline.
Comment: This sequence change replaces leucine, which is neutral and non-polar, with valine, which is neutral and non-polar, at codon 1078 of the ATM protein (p.Leu1078Val). This variant is not present in population databases (gnomAD no frequency). This variant has not been reported in the literature in individuals affected with ATM-related conditions. An algorithm developed to predict the effect of missense changes on protein structure and function (PolyPhen-2) suggests that this variant is likely to be disruptive. In summary, the available evidence is currently insufficient to determine the role of this variant in disease. Therefore, it has been classified as a Variant of Uncertain Significance.